The following is an entry in ClinVar:

ClinVar aggregate classification (germline): Uncertain significance (0 of 4 stars; one submission).

Conditions:
BCORL1-related disorder. Also called: BCORL1-related condition.

Allele frequency attached by ClinVar (database versions not stated): gnomAD exomes below 0.00001.
gnomAD v4.1: 2 of 1,211,800 alleles (0.00017%); highest among the groups gnomAD compares: Non-Finnish European, 0.00022%; no homozygotes.

Submission:

PreventionGenetics, part of Exact Sciences
Classification: Uncertain significance for BCORL1-related condition. Last evaluated: 2023-12-11. Review status: no assertion criteria provided. Collection method: clinical testing. Allele origin: germline.
Comment: The BCORL1 c.3832C>T variant is predicted to result in the amino acid substitution p.Arg1278Cys. To our knowledge, this variant has not been reported in the literature or in a large population database, indicating this variant is rare. At this time, the clinical significance of this variant is uncertain due to the absence of conclusive functional and genetic evidence.

NM_001379451.1(BCORL1):c.3832C>T (p.Arg1278Cys)

Gene: BCORL1 (BCL6 corepressor like 1; plus strand). Cytogenetic location: Xq26.1.
Variant type: single nucleotide variant.
Coding change: c.3832C>T on transcript NM_001379451.1 (MANE Select); coding-DNA position 3832, C replaced by T.
Protein change: p.Arg1278Cys; replaces arginine 1278 with cysteine.
Molecular consequence: missense variant.
Genome position (GRCh38, 1-based): chrX:130,025,133, C>T. VCF-style: chrX-130025133-C-T. GRCh37 (hg19) VCF-style: chrX-129159108-C-T.
Other names: c.3832C>T, p.Arg1278Cys (NM_001184772.3, NM_001379450.1, NM_021946.5); short protein forms R1278C.
Identifiers: ClinVar variation 3046222 (VCV003046222.2), dbSNP rs908085298, ClinGen allele CA335105793.